The following is an entry in ClinVar:

ClinVar aggregate classification (germline): Likely benign (1 of 4 stars; one submission).

gnomAD v4.1: 388 of 1,605,788 alleles (0.024%); highest among the groups gnomAD compares: Middle Eastern, 2%; 4 homozygotes.

Submission:

CeGaT Center for Human Genetics Tuebingen
Classification: Likely benign. Last evaluated: 2024-09-01. Review status: criteria provided, single submitter. Criteria: CeGaT Center For Human Genetics Tuebingen Variant Classification Criteria Version 2. Collection method: clinical testing. Allele origin: germline. Affected: yes. Observed: 2 variant alleles.
Comment: SUFU: BP1, BP4, BS1

NM_016169.4(SUFU):c.1296+74C>T

Gene: SUFU (SUFU negative regulator of hedgehog signaling; plus strand). Cytogenetic location: 10q24.32.
Variant type: single nucleotide variant.
Coding change: c.1296+74C>T on transcript NM_016169.4 (MANE Select); 74 bases into the intron after coding-DNA position 1296, C replaced by T.
Molecular consequence: intron variant.
Genome position (GRCh38, 1-based): chr10:102,617,502, C>T. VCF-style: chr10-102617502-C-T. GRCh37 (hg19) VCF-style: chr10-104377259-C-T.
Other names: c.1296+74C>T (NM_001178133.2).
Identifiers: ClinVar variation 3387880 (VCV003387880.14).
Genomic context (GRCh38, chr10:102,617,502, plus strand): 5'-TTTTCTTCTCCCTCCTTCCTTTCATAGACTTCCTTGCCCACCCCTCCTCTTCTCCCTTGG[C>T]AGCTCTTGATGGCACCCCTTCCTGGGGGGCTGGTCATGAATGCCTCATGGATTCAGGGCC-3'